The following is an entry in ClinVar:

ClinVar aggregate classification (germline): Uncertain significance. Review status: criteria provided, multiple submitters, no conflicts (2 of 4 stars). 4 submissions from 4 submitters: Uncertain significance (4). Last evaluated 2025-08-22.

Conditions:
Age related macular degeneration 1 (ARMD1). Also called: MACULOPATHY, AGE-RELATED, 1. Identifiers: MedGen C1864205, MONDO:0011285, OMIM 603075.

Allele frequency attached by ClinVar (database versions not stated): gnomAD exomes 0.00002 and 0.00003; gnomAD 0.00003 and 0.00004; TOPMed 0.00005.
gnomAD v4.1: 52 of 1,611,684 alleles (0.0032%); highest among the groups gnomAD compares: Non-Finnish European, 0.0038%; no homozygotes.

Submissions (4):

Ambry Genetics
Classification: Uncertain significance. Last evaluated: 2025-08-22. Review status: criteria provided, single submitter. Criteria: Ambry Variant Classification Scheme 2023. Collection method: clinical testing. Allele origin: germline.

Labcorp Genetics (formerly Invitae), Labcorp
Classification: Uncertain significance. Last evaluated: 2024-06-28. Review status: criteria provided, single submitter. Criteria: Invitae Variant Classification Sherloc (09022015). Collection method: clinical testing. Allele origin: germline.
Comment: This sequence change replaces arginine, which is basic and polar, with tryptophan, which is neutral and slightly polar, at codon 3213 of the HMCN1 protein (p.Arg3213Trp). This variant is present in population databases (no rsID available, gnomAD 0.003%). This variant has not been reported in the literature in individuals affected with HMCN1-related conditions. ClinVar contains an entry for this variant (Variation ID: 873868). An algorithm developed to predict the effect of missense changes on protein structure and function (PolyPhen-2) suggests that this variant is likely to be disruptive. In summary, the available evidence is currently insufficient to determine the role of this variant in disease. Therefore, it has been classified as a Variant of Uncertain Significance.

Genome-Nilou Lab
Classification: Uncertain significance for Age related macular degeneration 1. Last evaluated: 2023-04-11. Review status: criteria provided, single submitter. Criteria: ACMG Guidelines, 2015. Collection method: clinical testing. Allele origin: germline. Affected: no.

Illumina Laboratory Services, Illumina
Classification: Uncertain significance for Age related macular degeneration 1. Last evaluated: 2018-01-12. Review status: criteria provided, single submitter. Criteria: ICSL Variant Classification Criteria 13 December 2019. Collection method: clinical testing. Allele origin: germline.

NM_031935.3(HMCN1):c.9637C>T (p.Arg3213Trp)

Gene: HMCN1 (hemicentin 1; plus strand). Cytogenetic location: 1q31.1.
Variant type: single nucleotide variant.
Coding change: c.9637C>T on transcript NM_031935.3 (MANE Select); coding-DNA position 9637, C replaced by T.
Protein change: p.Arg3213Trp; replaces arginine 3213 with tryptophan.
Molecular consequence: missense variant.
Genome position (GRCh38, 1-based): chr1:186,088,665, C>T. VCF-style: chr1-186088665-C-T. GRCh37 (hg19) VCF-style: chr1-186057797-C-T.
Other names: short protein forms R3213W.
Identifiers: ClinVar variation 873868 (VCV000873868.10), dbSNP rs1404028877, ClinGen allele CA343922462.